The following is an entry in ClinVar:

NM_002454.3(MTRR):c.908C>T (p.Thr303Ile)

Gene: MTRR (5-methyltetrahydrofolate-homocysteine methyltransferase reductase; plus strand). Cytogenetic location: 5p15.31.
Variant type: single nucleotide variant.
Coding change: c.908C>T on transcript NM_002454.3 (MANE Select); coding-DNA position 908, C replaced by T.
Protein change: p.Thr303Ile; replaces threonine 303 with isoleucine.
Molecular consequence: missense variant. On other transcripts: non-coding transcript variant (14).
Genome position (GRCh38, 1-based): chr5:7,885,705, C>T. VCF-style: chr5-7885705-C-T. GRCh37 (hg19) VCF-style: chr5-7885818-C-T.
Other names: c.908C>T (NM_002454.2); c.908C>T, p.Thr303Ile (NM_001364440.2, NM_001364441.2, NM_001364442.2 and 1 more transcripts); short protein forms T303I.
Identifiers: ClinVar variation 2178256 (VCV002178256.2), dbSNP rs781093877, ClinGen allele CA3195760.

ClinVar aggregate classification (germline): Uncertain significance. Review status: criteria provided, multiple submitters, no conflicts (2 of 4 stars). 2 submissions from 2 submitters: Uncertain significance (2). Last evaluated 2022-08-19.

Conditions:
Inborn genetic diseases. Identifiers: MedGen C0950123, MeSH D030342.
Methylcobalamin deficiency type cblE (HMAE). Also called: VITAMIN B12-RESPONSIVE HOMOCYSTINURIA, cblE TYPE; HOMOCYSTINURIA-MEGALOBLASTIC ANEMIA, cblE COMPLEMENTATION TYPE; HOMOCYSTINURIA-MEGALOBLASTIC ANEMIA, cblE TYPE. Identifiers: Orphanet 2169, Orphanet 622, MedGen C1856057, MONDO:0009354, OMIM 236270.

Allele frequency attached by ClinVar (database versions not stated): gnomAD exomes 0.00001; ExAC 0.00002.

Submissions (2):

Labcorp Genetics (formerly Invitae), Labcorp
Classification: Uncertain significance for Methylcobalamin deficiency type cblE. Last evaluated: 2022-08-19. Review status: criteria provided, single submitter. Criteria: Invitae Variant Classification Sherloc (09022015). Collection method: clinical testing. Allele origin: germline.
Comment: This sequence change replaces threonine, which is neutral and polar, with isoleucine, which is neutral and non-polar, at codon 303 of the MTRR protein (p.Thr303Ile). This variant is present in population databases (rs781093877, gnomAD 0.002%). This variant has not been reported in the literature in individuals affected with MTRR-related conditions. Algorithms developed to predict the effect of missense changes on protein structure and function output the following: SIFT: "Tolerated"; PolyPhen-2: "Benign"; Align-GVGD: "Class C0". The isoleucine amino acid residue is found in multiple mammalian species, which suggests that this missense change does not adversely affect protein function. In summary, the available evidence is currently insufficient to determine the role of this variant in disease. Therefore, it has been classified as a Variant of Uncertain Significance.

Ambry Genetics
Classification: Uncertain significance for Inborn genetic diseases. Last evaluated: 2020-11-19. Review status: criteria provided, single submitter. Criteria: Ambry Variant Classification Scheme 2023. Collection method: clinical testing. Allele origin: germline.
Comment: The c.908C>T (p.T303I) alteration is located in exon 7 (coding exon 6) of the MTRR gene. This alteration results from a C to T substitution at nucleotide position 908, causing the threonine (T) at amino acid position 303 to be replaced by an isoleucine (I). The p.T303I alteration is predicted to be tolerated by in silico analysis. Based on insufficient or conflicting evidence, the clinical significance of this alteration remains unclear.